The following is an entry in ClinVar:

ClinVar aggregate classification (germline): Likely benign (1 of 4 stars; one submission).

Conditions:
Cerebral arteriopathy, autosomal dominant, with subcortical infarcts and leukoencephalopathy, type 1 (CADASIL1). Also called: DEMENTIA, HEREDITARY MULTIINFARCT TYPE; CADASIL 1; CASIL; Cerebral arteriopathy with subcortical infarcts and leukoencephalopathy 1. Identifiers: Orphanet 136, MedGen C4551768, MONDO:0000914, OMIM 125310.

Allele frequency attached by ClinVar (database versions not stated): gnomAD 0.00001; ExAC 0.00002.

Submission:

Illumina Laboratory Services, Illumina
Classification: Likely benign for Cerebral arteriopathy, autosomal dominant, with subcortical infarcts and leukoencephalopathy, type 1. Last evaluated: 2018-01-12. Review status: criteria provided, single submitter. Criteria: ICSL Variant Classification Criteria 13 December 2019. Collection method: clinical testing. Allele origin: germline.
Comment: This variant was observed in the ICSL laboratory as part of a predisposition screen in an ostensibly healthy population. It had not been previously curated by ICSL or reported in the Human Gene Mutation Database (HGMD: prior to June 1st, 2018), and was therefore a candidate for classification through an automated scoring system. Utilizing variant allele frequency, disease prevalence and penetrance estimates, and inheritance mode, an automated score was calculated to assess if this variant is too frequent to cause the disease. Based on the score and internal cut-off values, a variant classified as likely benign is not then subjected to further curation. The score for this variant resulted in a classification of likely benign for this disease.

NM_000435.3(NOTCH3):c.5484G>A (p.Gly1828=)

Gene: NOTCH3 (notch receptor 3; minus strand). Cytogenetic location: 19p13.12.
Variant type: single nucleotide variant.
Coding change: c.5484G>A on transcript NM_000435.3 (MANE Select); coding-DNA position 5484, G replaced by A.
Protein change: p.Gly1828=; no amino-acid change (glycine 1828 retained).
Molecular consequence: synonymous variant.
Genome position (GRCh38, 1-based): chr19:15,165,970, C>T on the plus strand (G>A on the coding strand, the complement: NOTCH3 is on the minus strand). VCF-style: chr19-15165970-C-T. GRCh37 (hg19) VCF-style: chr19-15276781-C-T.
Identifiers: ClinVar variation 890209 (VCV000890209.4), dbSNP rs769445841, ClinGen allele CA9262615.